The following is an entry in ClinVar:

ClinVar aggregate classification (germline): Uncertain significance (1 of 4 stars; one submission).

Conditions:
Hereditary hemorrhagic telangiectasia (HHT). Also called: ORW DISEASE; Osler Weber Rendu syndrome; OSLER-RENDU-WEBER DISEASE; Osler hemorrhagic telangiectasia syndrome. Identifiers: Orphanet 774, MedGen C0039445, MONDO:0019180. Disease mechanism: loss of function.

Submission:

Labcorp Genetics (formerly Invitae), Labcorp
Classification: Uncertain significance for Hereditary hemorrhagic telangiectasia. Last evaluated: 2021-10-07. Review status: criteria provided, single submitter. Criteria: Invitae Variant Classification Sherloc (09022015). Collection method: clinical testing. Allele origin: germline.
Comment: Algorithms developed to predict the effect of missense changes on protein structure and function are either unavailable or do not agree on the potential impact of this missense change (SIFT: "Deleterious"; PolyPhen-2: "Probably Damaging"; Align-GVGD: "Class C0"). In summary, the available evidence is currently insufficient to determine the role of this variant in disease. Therefore, it has been classified as a Variant of Uncertain Significance. This variant has not been reported in the literature in individuals affected with ENG-related conditions. This sequence change replaces arginine with proline at codon 618 of the ENG protein (p.Arg618Pro). The arginine residue is highly conserved and there is a moderate physicochemical difference between arginine and proline. This variant is not present in population databases (ExAC no frequency).

NM_001114753.3(ENG):c.1852+1G>C

Gene: ENG (endoglin; minus strand). Cytogenetic location: 9q34.11.
Variant type: single nucleotide variant.
Coding change: c.1852+1G>C on transcript NM_001114753.3 (MANE Select); the canonical splice donor site of the intron after coding-DNA position 1852, G replaced by C.
Molecular consequence: splice donor variant. On other transcripts: missense variant (1).
Genome position (GRCh38, 1-based): chr9:127,815,942, C>G on the plus strand (G>C on the coding strand, the complement: ENG is on the minus strand). VCF-style: chr9-127815942-C-G. GRCh37 (hg19) VCF-style: chr9-130578221-C-G.
Other names: c.1853G>C, p.Arg618Pro (NM_000118.4); c.1306+1G>C (NM_001278138.2); short protein forms R618P.
Identifiers: ClinVar variation 1477415 (VCV001477415.7), dbSNP rs2131871398, ClinGen allele CA374971499.